The following is an entry in ClinVar:

ClinVar aggregate classification (germline): Benign (0 of 4 stars; one submission).

Conditions:
DCHS2-related disorder. Also called: DCHS2-related condition.

Allele frequency attached by ClinVar (database versions not stated): 1000 Genomes Project 0.00020; ESP Exome Variant Server 0.00077; 1000 Genomes Project 30x 0.00078; gnomAD 0.00098; ExAC 0.00102; TOPMed 0.00115.
gnomAD v4.1: 1,470 of 1,614,150 alleles (0.091%); highest among the groups gnomAD compares: Middle Eastern, 0.35%; 6 homozygotes.

Submission:

PreventionGenetics, part of Exact Sciences
Classification: Benign for DCHS2-related condition. Last evaluated: 2019-09-06. Review status: no assertion criteria provided. Collection method: clinical testing. Allele origin: germline.
Comment: This variant is classified as benign based on ACMG/AMP sequence variant interpretation guidelines (Richards et al. 2015 PMID: 25741868, with internal and published modifications).

NM_001358235.2(DCHS2):c.3205C>T (p.Leu1069=)

Gene: DCHS2 (dachsous cadherin-related 2; minus strand). Cytogenetic location: 4q31.3.
Variant type: single nucleotide variant.
Coding change: c.3205C>T on transcript NM_001358235.2 (MANE Select); coding-DNA position 3205, C replaced by T.
Protein change: p.Leu1069=; no amino-acid change (leucine 1069 retained).
Molecular consequence: synonymous variant.
Genome position (GRCh38, 1-based): chr4:154,333,003, G>A on the plus strand (C>T on the coding strand, the complement: DCHS2 is on the minus strand). VCF-style: chr4-154333003-G-A. GRCh37 (hg19) VCF-style: chr4-155254155-G-A.
Other names: c.3205C>T, p.Leu1069= (NM_001142552.2, NM_001412223.1).
Identifiers: ClinVar variation 3039585 (VCV003039585.2), dbSNP rs149462928, ClinGen allele CA3113244.